The following is an entry in ClinVar:

NM_001267550.2(TTN):c.55354T>C (p.Ser18452Pro)

Genes: TTN (titin; minus strand), TTN-AS1 (TTN antisense RNA 1; plus strand). Cytogenetic location: 2q31.2.
Variant type: single nucleotide variant.
Coding change: c.55354T>C on transcript NM_001267550.2 (MANE Select); coding-DNA position 55354, T replaced by C.
Protein change: p.Ser18452Pro; replaces serine 18452 with proline.
Molecular consequence: missense variant.
Genome position (GRCh38, 1-based): chr2:178,601,736, A>G on the plus strand (T>C on the coding strand, the complement: TTN is on the minus strand). VCF-style: chr2-178601736-A-G. GRCh37 (hg19) VCF-style: chr2-179466463-A-G.
Other names: p.S16811P:TCT>CCT; c.50431T>C, p.Ser16811Pro (NM_001256850.1); c.28159T>C, p.Ser9387Pro (NM_003319.4); c.47650T>C, p.Ser15884Pro (NM_133378.4); c.28534T>C, p.Ser9512Pro (NM_133432.3); c.28735T>C, p.Ser9579Pro (NM_133437.4); short protein forms S15884P, S18452P, S16811P, S9579P, S9387P, S9512P.
Identifiers: ClinVar variation 191942 (VCV000191942.20), dbSNP rs372541479, ClinGen allele CA302469.

ClinVar aggregate classification (germline): Conflicting classifications of pathogenicity. Review status: criteria provided, conflicting classifications (1 of 4 stars). 10 submissions from 10 submitters: Uncertain significance (5); Likely benign (5). Last evaluated 2026-05-23.

Conditions:
TTN-related disorder. Also called: TTN-related condition; TTN-related disease; TTN-related disorders.
Cardiovascular phenotype. Identifiers: MedGen CN230736.
Dilated cardiomyopathy 1G (CMD1G). Identifiers: Orphanet 154, MedGen C1858763, MONDO:0011400, OMIM 604145.
Autosomal recessive limb-girdle muscular dystrophy type 2J (LGMDR10). Also called: Limb-girdle muscular dystrophy, type 2J; MUSCULAR DYSTROPHY, LIMB-GIRDLE, AUTOSOMAL RECESSIVE 10. Identifiers: Orphanet 140922, MedGen C1837342, MONDO:0012127, OMIM 608807.
Cardiomyopathy (CMYO). Also called: Cardiomyopathies. Identifiers: Orphanet 167848, MedGen C0878544, MONDO:0004994, HP:0001638. Inheritance: Various modes of inheritance.

Allele frequency attached by ClinVar (database versions not stated): gnomAD exomes 0.00002 and 0.00007; ExAC 0.00009; ESP Exome Variant Server 0.00017; gnomAD 0.00023 and 0.00026; TOPMed 0.00028; 1000 Genomes Project 0.00040; 1000 Genomes Project 30x 0.00047.
gnomAD v4.1: 60 of 1,609,720 alleles (0.0037%); highest among the groups gnomAD compares: African/African-American, 0.071%; no homozygotes.

Submissions (10):

PreventionGenetics, part of Exact Sciences
Classification: Uncertain significance for TTN-related condition. Last evaluated: 2026-05-23. Review status: criteria provided, single submitter. Criteria: ACMG Guidelines, 2015. Collection method: clinical testing. Allele origin: germline.
Comment: The TTN c.55354T>C variant is predicted to result in the amino acid substitution p.Ser18452Pro. This variant has not been reported in the literature in individuals with TTN-related disorders. This variant is reported in 0.10% of alleles in individuals of African descent in gnomAD. Although we suspect that this variant may be benign, at this time, the clinical significance of this variant is uncertain due to the absence of conclusive functional and genetic evidence.

Molecular Diagnostic Laboratory for Inherited Cardiovascular Disease, Montreal Heart Institute
Classification: Likely benign. Last evaluated: 2025-04-09. Review status: criteria provided, single submitter. Criteria: ACMG Guidelines, 2015. Collection method: clinical testing. Allele origin: germline. Affected: no.

Revvity Omics, Revvity
Classification: Likely benign. Last evaluated: 2023-08-11. Review status: criteria provided, single submitter. Criteria: ACMG Guidelines, 2015. Collection method: clinical testing. Allele origin: germline.

Women's Health and Genetics/Laboratory Corporation of America, LabCorp
Classification: Uncertain significance. Last evaluated: 2023-07-09. Review status: criteria provided, single submitter. Criteria: LabCorp Variant Classification Summary - May 2015. Collection method: clinical testing. Allele origin: germline.

GeneDx
Classification: Likely benign. Last evaluated: 2021-03-10. Review status: criteria provided, single submitter. Criteria: GeneDx Variant Classification Process June 2021. Collection method: clinical testing. Allele origin: germline. Affected: yes.

Ambry Genetics
Classification: Likely benign for Cardiovascular phenotype. Last evaluated: 2020-05-29. Review status: criteria provided, single submitter. Criteria: Ambry Variant Classification Scheme 2023. Collection method: clinical testing. Allele origin: germline.

Center for Advanced Laboratory Medicine, UC San Diego Health, University of California San Diego
Classification: Likely benign for Cardiomyopathy. Last evaluated: 2019-06-03. Review status: criteria provided, single submitter. Criteria: ACMG Guidelines, 2015. Collection method: clinical testing. Allele origin: germline. Affected: yes. Observed: 1 variant allele.

ARUP Laboratories, Molecular Genetics and Genomics, ARUP Laboratories
Classification: Uncertain significance. Last evaluated: 2018-03-21. Review status: criteria provided, single submitter. Criteria: ARUP Molecular Germline Variant Investigation Process. Collection method: clinical testing. Allele origin: germline.

Labcorp Genetics (formerly Invitae), Labcorp
Classification: Uncertain significance for Dilated cardiomyopathy 1G; Autosomal recessive limb-girdle muscular dystrophy type 2J. Last evaluated: 2017-02-09. Review status: criteria provided, single submitter. Criteria: Invitae Variant Classification Sherloc (09022015). Collection method: clinical testing. Allele origin: germline.

Biesecker Lab/Clinical Genomics Section, National Institutes of Health
Classification: Uncertain significance. Last evaluated: 2013-06-24. Review status: criteria provided, single submitter. Criteria: Ng et al. (Circ Cardiovasc Genet. 2013). Collection method: research. Allele origin: unknown. Observed: 1 variant allele. Study: ClinSeq.
Comment: The study set was not selected for affection status in relation to any cancer. Pathogenicity categories were based on literature curation. See Pubmed ID:23861362 for details.

Medical sequencing

Literature cited by the submitters: PubMed 23861362 (cited by Ambry Genetics).